The following is an entry in ClinVar:

ClinVar aggregate classification (germline): Uncertain significance (1 of 4 stars; one submission).

Submission:

CeGaT Center for Human Genetics Tuebingen
Classification: Uncertain significance. Last evaluated: 2026-09-01. Review status: criteria provided, single submitter. Criteria: CeGaT Center For Human Genetics Tuebingen Variant Classification Criteria Version 2. Collection method: clinical testing. Allele origin: germline. Affected: yes. Observed: 1 variant allele.
Comment: ZFHX2: PM2

NM_033400.3(ZFHX2):c.1802A>C (p.His601Pro)

Genes: THTPA (thiamine triphosphatase; plus strand), ZFHX2 (zinc finger homeobox 2; minus strand). Cytogenetic location: 14q11.2.
Variant type: single nucleotide variant.
Coding change: c.1802A>C on transcript NM_033400.3 (MANE Select); coding-DNA position 1802, A replaced by C.
Protein change: p.His601Pro; replaces histidine 601 with proline.
Molecular consequence: missense variant.
Genome position (GRCh38, 1-based): chr14:23,533,524, T>G on the plus strand (A>C on the coding strand, the complement: ZFHX2 is on the minus strand). VCF-style: chr14-23533524-T-G. GRCh37 (hg19) VCF-style: chr14-24002733-T-G.
Other names: short protein forms H601P.
Identifiers: ClinVar variation 5041847 (VCV005041847.1).
Genomic context (GRCh38, chr14:23,533,524, plus strand): 5'-GGTGGGGGAGGAGGGCCTGGCCCCATCAATCCAGGTGGCAGGCCCAGCGGCAGCCCCTGG[T>G]GCAGCATTAGGACATTCTGCATGTGCTTCTCAGAGGTCATATGGATGCGCAGGTTACGGG-3'
Protein context (NP_207646.2, residues 591-611): EKHMQNVLML[His601Pro]QGLPLGLPPG